The following is an entry in ClinVar:

ClinVar aggregate classification (germline): Conflicting classifications of pathogenicity. Review status: criteria provided, conflicting classifications (1 of 4 stars). 4 submissions from 4 submitters: Likely pathogenic (3); Uncertain significance (1). Last evaluated 2024-10-16.

Conditions:
Retinal dystrophy. Also called: Inherited retinal dystrophy. Identifiers: Orphanet 71862, MedGen C0854723, MeSH D058499, MONDO:0019118, HP:0000556.
Leber congenital amaurosis 8 (LCA8). Identifiers: Orphanet 65, MedGen C3151202, MONDO:0013453, OMIM 613835.
Retinitis pigmentosa 12 (RP12). Also called: RP WITH OR WITHOUT PPRPE; RP WITH OR WITHOUT PRESERVED PARAARTERIOLE RETINAL PIGMENT EPITHELIUM; RETINITIS PIGMENTOSA WITH OR WITHOUT PARAARTERIOLAR PRESERVATION OF RETINAL PIGMENT EPITHELIUM. Identifiers: Orphanet 791, MedGen C1838647, MONDO:0010818, OMIM 600105.

Allele frequency attached by ClinVar (database versions not stated): gnomAD exomes below 0.00001.
gnomAD v4.1: 2 of 1,614,206 alleles (0.00012%); highest among the groups gnomAD compares: Non-Finnish European, 0.000085%; no homozygotes.

Submissions (4):

Labcorp Genetics (formerly Invitae), Labcorp
Classification: Likely pathogenic for Leber congenital amaurosis 8; Retinitis pigmentosa 12. Last evaluated: 2024-10-16. Review status: criteria provided, single submitter. Criteria: Invitae Variant Classification Sherloc (09022015). Collection method: clinical testing. Allele origin: germline.
Comment: This sequence change replaces cysteine, which is neutral and slightly polar, with tyrosine, which is neutral and polar, at codon 587 of the CRB1 protein (p.Cys587Tyr). This variant is not present in population databases (gnomAD no frequency). This missense change has been observed in individual(s) with CRB1-related conditions (PMID: 15459956, 21757580, 29186038, 36460718). In at least one individual the data is consistent with being in trans (on the opposite chromosome) from a pathogenic variant. ClinVar contains an entry for this variant (Variation ID: 1497162). Invitae Evidence Modeling of protein sequence and biophysical properties (such as structural, functional, and spatial information, amino acid conservation, physicochemical variation, residue mobility, and thermodynamic stability) has been performed for this missense variant. However, the output from this modeling did not meet the statistical confidence thresholds required to predict the impact of this variant on CRB1 protein function. In summary, the currently available evidence indicates that the variant is pathogenic, but additional data are needed to prove that conclusively. Therefore, this variant has been classified as Likely Pathogenic.

Baylor Genetics
Classification: Likely pathogenic for Leber congenital amaurosis 8. Last evaluated: 2024-03-27. Review status: criteria provided, single submitter. Criteria: ACMG Guidelines, 2015. Collection method: clinical testing. Allele origin: unknown.

Dept Of Ophthalmology, Nagoya University
Classification: Uncertain significance for Retinal dystrophy. Last evaluated: 2023-10-01. Review status: criteria provided, single submitter. Criteria: Submitter's publication. Collection method: research. Allele origin: germline. Affected: yes.

Institute of Human Genetics, Univ. Regensburg, Univ. Regensburg
Classification: Likely pathogenic for Retinal dystrophy. Last evaluated: 2017-01-01. Review status: criteria provided, single submitter. Criteria: ACMG Guidelines, 2015. Collection method: clinical testing. Allele origin: germline. Affected: yes.

Literature cited by the submitters: PubMed 15459956 (cited by Labcorp Genetics (formerly Invitae), Labcorp and Institute of Human Genetics, Univ. Regensburg, Univ. Regensburg); PubMed 21757580 (cited by Labcorp Genetics (formerly Invitae), Labcorp); PubMed 29186038 (cited by Labcorp Genetics (formerly Invitae), Labcorp and Institute of Human Genetics, Univ. Regensburg, Univ. Regensburg); PubMed 36460718 (cited by Labcorp Genetics (formerly Invitae), Labcorp and Institute of Human Genetics, Univ. Regensburg, Univ. Regensburg).

NM_201253.3(CRB1):c.1760G>A (p.Cys587Tyr)

Gene: CRB1 (crumbs cell polarity complex component 1; plus strand). Cytogenetic location: 1q31.3.
Variant type: single nucleotide variant.
Coding change: c.1760G>A on transcript NM_201253.3 (MANE Select); coding-DNA position 1760, G replaced by A.
Protein change: p.Cys587Tyr; replaces cysteine 587 with tyrosine.
Molecular consequence: missense variant. On other transcripts: non-coding transcript variant (1).
Genome position (GRCh38, 1-based): chr1:197,421,588, G>A. VCF-style: chr1-197421588-G-A. GRCh37 (hg19) VCF-style: chr1-197390718-G-A.
Other names: c.1424G>A, p.Cys475Tyr (NM_001193640.2); c.1553G>A, p.Cys518Tyr (NM_001257965.2); c.1760G>A, p.Cys587Tyr (NM_001257966.2); short protein forms C475Y, C518Y, C587Y.
Identifiers: ClinVar variation 1497162 (VCV001497162.10), dbSNP rs1471328495, ClinGen allele CA344032516.